The following is an entry in ClinVar:

NM_198578.4(LRRK2):c.1482T>A (p.His494Gln)

Gene: LRRK2 (leucine rich repeat kinase 2; plus strand). Cytogenetic location: 12q12.
Variant type: single nucleotide variant.
Coding change: c.1482T>A on transcript NM_198578.4 (MANE Select); coding-DNA position 1482, T replaced by A.
Protein change: p.His494Gln; replaces histidine 494 with glutamine.
Molecular consequence: missense variant.
Genome position (GRCh38, 1-based): chr12:40,259,543, T>A. VCF-style: chr12-40259543-T-A. GRCh37 (hg19) VCF-style: chr12-40653345-T-A.
Other names: short protein forms H494Q.
Identifiers: ClinVar variation 3540613 (VCV003540613.1).
Genomic context (GRCh38, chr12:40,259,543, plus strand): 5'-CACTTCCCTGGATATAATGGCAGCAGTGGTCCCCAAAATACTAACAGTTATGAAACGTCA[T>A]GAGACATCATTACCAGTGCAGCTGGAGGCGCTTCGAGCTATTTTACATTTTATAGTGCCT-3'
Protein context (NP_940980.4, residues 484-504): VPKILTVMKR[His494Gln]ETSLPVQLEA

ClinVar aggregate classification (germline): Uncertain significance (1 of 4 stars; one submission).

Conditions:
Inborn genetic diseases. Identifiers: MedGen C0950123, MeSH D030342.

Submission:

Ambry Genetics
Classification: Uncertain significance for Inborn genetic diseases. Last evaluated: 2024-08-07. Review status: criteria provided, single submitter. Criteria: Ambry Variant Classification Scheme 2023. Collection method: clinical testing. Allele origin: germline.
Comment: The p.H494Q variant (also known as c.1482T>A), located in coding exon 13 of the LRRK2 gene, results from a T to A substitution at nucleotide position 1482. The histidine at codon 494 is replaced by glutamine, an amino acid with highly similar properties. This amino acid position is conserved. In addition, this alteration is predicted to be tolerated by in silico analysis. Based on the available evidence, the clinical significance of this variant remains unclear.